The following is an entry in ClinVar:

ClinVar aggregate classification (germline): Uncertain significance (1 of 4 stars; one submission).

Conditions:
Immunodeficiency. Identifiers: MedGen C0021051, MONDO:0021094, HP:0002721.

Allele frequency attached by ClinVar (database versions not stated): gnomAD exomes 0.00001; ExAC 0.00002.
gnomAD v4.1: 6 of 1,614,154 alleles (0.00037%); highest among the groups gnomAD compares: South Asian, 0.0011%; no homozygotes.

Submission:

Labcorp Genetics (formerly Invitae), Labcorp
Classification: Uncertain significance for Immunodeficiency. Last evaluated: 2024-07-20. Review status: criteria provided, single submitter. Criteria: Invitae Variant Classification Sherloc (09022015). Collection method: clinical testing. Allele origin: germline.
Comment: This sequence change replaces glycine, which is neutral and non-polar, with glutamic acid, which is acidic and polar, at codon 87 of the NFAT5 protein (p.Gly87Glu). This variant is present in population databases (rs773069993, gnomAD 0.003%). This variant has not been reported in the literature in individuals affected with NFAT5-related conditions. ClinVar contains an entry for this variant (Variation ID: 1356612). An algorithm developed to predict the effect of missense changes on protein structure and function (PolyPhen-2) suggests that this variant is likely to be disruptive. In summary, the available evidence is currently insufficient to determine the role of this variant in disease. Therefore, it has been classified as a Variant of Uncertain Significance.

NM_138713.4(NFAT5):c.542G>A (p.Gly181Glu)

Gene: NFAT5 (nuclear factor of activated T cells 5; plus strand). Cytogenetic location: 16q22.1.
Variant type: single nucleotide variant.
Coding change: c.542G>A on transcript NM_138713.4 (MANE Select); coding-DNA position 542, G replaced by A.
Protein change: p.Gly181Glu; replaces glycine 181 with glutamic acid.
Molecular consequence: missense variant. On other transcripts: intron variant (1).
Genome position (GRCh38, 1-based): chr16:69,647,316, G>A. VCF-style: chr16-69647316-G-A. GRCh37 (hg19) VCF-style: chr16-69681219-G-A.
Other names: c.542G>A, p.Gly181Glu (NM_001113178.3); c.488G>A, p.Gly163Glu (NM_006599.4); c.260G>A, p.Gly87Glu (NM_138714.4, NM_173214.3, NM_173215.3); c.140+149G>A (NM_001367709.1); short protein forms G181E, G87E, G163E.
Identifiers: ClinVar variation 1356612 (VCV001356612.6), dbSNP rs773069993, ClinGen allele CA8135377.
Genomic context (GRCh38, chr16:69,647,316, plus strand): 5'-ACATCTCACCACCACCTGAGGACTTGCTGGATAACAGTCGGATGTCCTGCCAGGATGAGG[G>A]GTGTGGATTGGAATCTGAGCAGAGCTGCAGTATGTGGATGGAGGATTCCCCCTCCAACTT-3'
Protein context (NP_619727.2, residues 171-191): DNSRMSCQDE[Gly181Glu]CGLESEQSCS